The following is an entry in ClinVar:

NM_001184.4(ATR):c.1554G>C (p.Lys518Asn)

Gene: ATR (ATR checkpoint kinase; minus strand). Cytogenetic location: 3q23.
Variant type: single nucleotide variant.
Coding change: c.1554G>C on transcript NM_001184.4 (MANE Select); coding-DNA position 1554, G replaced by C.
Protein change: p.Lys518Asn; replaces lysine 518 with asparagine.
Molecular consequence: missense variant.
Genome position (GRCh38, 1-based): chr3:142,559,429, C>G on the plus strand (G>C on the coding strand, the complement: ATR is on the minus strand). VCF-style: chr3-142559429-C-G. GRCh37 (hg19) VCF-style: chr3-142278271-C-G.
Other names: c.1362G>C, p.Lys454Asn (NM_001354579.2); short protein forms K454N, K518N.
Identifiers: ClinVar variation 2416233 (VCV002416233.5), dbSNP rs148605594, ClinGen allele CA2650557.

ClinVar aggregate classification (germline): Uncertain significance (1 of 4 stars; one submission).

Allele frequency attached by ClinVar (database versions not stated): gnomAD 0.00001; gnomAD exomes 0.00001; ExAC 0.00002; TOPMed 0.00002; ESP Exome Variant Server 0.00008.
gnomAD v4.1: 23 of 1,613,398 alleles (0.0014%); highest among the groups gnomAD compares: Non-Finnish European, 0.0019%; no homozygotes.

Submission:

Labcorp Genetics (formerly Invitae), Labcorp
Classification: Uncertain significance. Last evaluated: 2024-07-23. Review status: criteria provided, single submitter. Criteria: Invitae Variant Classification Sherloc (09022015). Collection method: clinical testing. Allele origin: germline.
Comment: This sequence change replaces lysine, which is basic and polar, with asparagine, which is neutral and polar, at codon 518 of the ATR protein (p.Lys518Asn). This variant is present in population databases (rs148605594, gnomAD 0.002%). This variant has not been reported in the literature in individuals affected with ATR-related conditions. ClinVar contains an entry for this variant (Variation ID: 2416233). An algorithm developed to predict the effect of missense changes on protein structure and function (PolyPhen-2) suggests that this variant is likely to be tolerated. In summary, the available evidence is currently insufficient to determine the role of this variant in disease. Therefore, it has been classified as a Variant of Uncertain Significance.